The following is an entry in ClinVar:

NM_001035.3(RYR2):c.8387A>G (p.Asp2796Gly)

Gene: RYR2 (ryanodine receptor 2; plus strand). Cytogenetic location: 1q43.
Variant type: single nucleotide variant.
Coding change: c.8387A>G on transcript NM_001035.3 (MANE Select); coding-DNA position 8387, A replaced by G.
Protein change: p.Asp2796Gly; replaces aspartic acid 2796 with glycine.
Molecular consequence: missense variant.
Genome position (GRCh38, 1-based): chr1:237,660,898, A>G. VCF-style: chr1-237660898-A-G. GRCh37 (hg19) VCF-style: chr1-237824198-A-G.
Other names: short protein forms D2796G.
Identifiers: ClinVar variation 3073986 (VCV003073986.1), dbSNP rs2547121036, ClinGen allele CA345401920.
Genomic context (GRCh38, chr1:237,660,898, plus strand): 5'-AAGAATCTTTAAAAACTATGCTGGCTTGGGGCTGGAGAATTGAAAGAACTCGGGAGGGAG[A>G]CAGCATGGCCCTTTACAACCGGACTCGTCGTATTTCTCAGACAAGCCAGGTAAGAATTCA-3'
Protein context (NP_001026.2, residues 2786-2806): GWRIERTREG[Asp2796Gly]SMALYNRTRR

ClinVar aggregate classification (germline): Uncertain significance (1 of 4 stars; one submission).

Conditions:
Catecholaminergic polymorphic ventricular tachycardia (CVPT). Also called: Catecholamine-induced polymorphic ventricular tachycardia. Identifiers: Orphanet 3286, MedGen C5574922, MONDO:0017990.

Submission:

All of Us Research Program, National Institutes of Health
Classification: Uncertain significance for Catecholaminergic polymorphic ventricular tachycardia. Last evaluated: 2023-11-30. Review status: criteria provided, single submitter. Criteria: ACMG Guidelines, 2015. Collection method: clinical testing. Allele origin: germline. Inheritance: Autosomal dominant inheritance. Observed: 1 variant allele, 1 heterozygote.
Comment: This study involves interpretation of variants in research participants for the purpose of population health screening. Participant phenotype was not available at the time of variant classification. Additional details can be found in publication PMID: 35346344, PMCID: PMC8962531